The following is an entry in ClinVar:

NM_032380.5(GFM2):c.1387C>T (p.Arg463Trp)

Gene: GFM2 (GTP dependent ribosome recycling factor mitochondrial 2; minus strand). Cytogenetic location: 5q13.3.
Variant type: single nucleotide variant.
Coding change: c.1387C>T on transcript NM_032380.5 (MANE Select); coding-DNA position 1387, C replaced by T.
Protein change: p.Arg463Trp; replaces arginine 463 with tryptophan.
Molecular consequence: missense variant. On other transcripts: non-coding transcript variant (1).
Genome position (GRCh38, 1-based): chr5:74,736,919, G>A on the plus strand (C>T on the coding strand, the complement: GFM2 is on the minus strand). VCF-style: chr5-74736919-G-A. GRCh37 (hg19) VCF-style: chr5-74032744-G-A.
Other names: p.R463W:CGG>TGG; c.1483C>T, p.Arg495Trp (NM_001281302.2); c.1387C>T, p.Arg463Trp (NM_170681.3); c.1246C>T, p.Arg416Trp (NM_170691.3); short protein forms R463W, R416W, R495W.
Identifiers: ClinVar variation 214514 (VCV000214514.9), dbSNP rs377321462, ClinGen allele CA321001.

ClinVar aggregate classification (germline): Uncertain significance. Review status: criteria provided, multiple submitters, no conflicts (2 of 4 stars). 3 submissions from 3 submitters: Uncertain significance (3). Last evaluated 2025-06-23.

Conditions:
Inborn genetic diseases. Identifiers: MedGen C0950123, MeSH D030342.

Allele frequency attached by ClinVar (database versions not stated): gnomAD 0.00003; TOPMed 0.00014; ESP Exome Variant Server 0.00031.
gnomAD v4.1: 147 of 1,613,490 alleles (0.0091%); highest among the groups gnomAD compares: African/African-American, 0.02%; no homozygotes.

Submissions (3):

Labcorp Genetics (formerly Invitae), Labcorp
Classification: Uncertain significance. Last evaluated: 2025-06-23. Review status: criteria provided, single submitter. Criteria: Invitae Variant Classification Sherloc (09022015). Collection method: clinical testing. Allele origin: germline.
Comment: This sequence change replaces arginine, which is basic and polar, with tryptophan, which is neutral and slightly polar, at codon 463 of the GFM2 protein (p.Arg463Trp). This variant is present in population databases (rs377321462, gnomAD 0.02%). This variant has not been reported in the literature in individuals affected with GFM2-related conditions. ClinVar contains an entry for this variant (Variation ID: 214514). An algorithm developed to predict the effect of missense changes on protein structure and function (PolyPhen-2) suggests that this variant is likely to be disruptive. In summary, the available evidence is currently insufficient to determine the role of this variant in disease. Therefore, it has been classified as a Variant of Uncertain Significance.

Ambry Genetics
Classification: Uncertain significance for Inborn genetic diseases. Last evaluated: 2024-01-25. Review status: criteria provided, single submitter. Criteria: Ambry Variant Classification Scheme 2023. Collection method: clinical testing. Allele origin: germline.

GeneDx
Classification: Uncertain significance. Last evaluated: 2020-10-28. Review status: criteria provided, single submitter. Criteria: GeneDx Variant Classification Process June 2021. Collection method: clinical testing. Allele origin: germline. Affected: yes.
Comment: Has not been previously published as pathogenic or benign to our knowledge